The following is an entry in ClinVar:

NM_000264.5(PTCH1):c.716C>T (p.Ala239Val)

Gene: PTCH1 (patched 1; minus strand). Cytogenetic location: 9q22.32.
Variant type: single nucleotide variant.
Coding change: c.716C>T on transcript NM_000264.5 (MANE Select); coding-DNA position 716, C replaced by T.
Protein change: p.Ala239Val; replaces alanine 239 with valine.
Molecular consequence: missense variant. On other transcripts: non-coding transcript variant (1).
Genome position (GRCh38, 1-based): chr9:95,481,979, G>A on the plus strand (C>T on the coding strand, the complement: PTCH1 is on the minus strand). VCF-style: chr9-95481979-G-A. GRCh37 (hg19) VCF-style: chr9-98244261-G-A.
Other names: c.518C>T, p.Ala173Val (NM_001083602.3, NM_001354919.2); c.713C>T, p.Ala238Val (NM_001083603.3); c.263C>T, p.Ala88Val (NM_001083604.3, NM_001083605.3, NM_001083606.3 and 1 more transcripts); c.716C>T, p.Ala239Val (NM_001354918.2); short protein forms A173V, A88V, A238V, A239V.
Identifiers: ClinVar variation 2200049 (VCV002200049.4), dbSNP rs1841572784, ClinGen allele CA374114852.

ClinVar aggregate classification (germline): Uncertain significance (1 of 4 stars; one submission).

Conditions:
Gorlin syndrome. Also called: Nevoid Basal Cell Carcinoma Syndrome; Basal cell nevus syndrome. Identifiers: Orphanet 377, MedGen C0004779, MONDO:0007187.

Allele frequency attached by ClinVar (database versions not stated): gnomAD exomes below 0.00001; TOPMed below 0.00001.
gnomAD v4.1: 5 of 1,613,558 alleles (0.00031%); highest among the groups gnomAD compares: Non-Finnish European, 0.00042%; no homozygotes.

Submission:

Labcorp Genetics (formerly Invitae), Labcorp
Classification: Uncertain significance for Gorlin syndrome. Last evaluated: 2023-04-11. Review status: criteria provided, single submitter. Criteria: Invitae Variant Classification Sherloc (09022015). Collection method: clinical testing. Allele origin: germline.
Comment: Advanced modeling of protein sequence and biophysical properties (such as structural, functional, and spatial information, amino acid conservation, physicochemical variation, residue mobility, and thermodynamic stability) has been performed at Invitae for this missense variant, however the output from this modeling did not meet the statistical confidence thresholds required to predict the impact of this variant on PTCH1 protein function. In summary, the available evidence is currently insufficient to determine the role of this variant in disease. Therefore, it has been classified as a Variant of Uncertain Significance. ClinVar contains an entry for this variant (Variation ID: 2200049). This variant has not been reported in the literature in individuals affected with PTCH1-related conditions. This variant is not present in population databases (gnomAD no frequency). This sequence change replaces alanine, which is neutral and non-polar, with valine, which is neutral and non-polar, at codon 239 of the PTCH1 protein (p.Ala239Val).